The following is an entry in ClinVar:

NM_020448.5(NIPAL3):c.205G>A (p.Ala69Thr)

Gene: NIPAL3 (NIPA like domain containing 3; plus strand). Cytogenetic location: 1p36.11.
Variant type: single nucleotide variant.
Coding change: c.205G>A on transcript NM_020448.5 (MANE Select); coding-DNA position 205, G replaced by A.
Protein change: p.Ala69Thr; replaces alanine 69 with threonine.
Molecular consequence: missense variant. On other transcripts: 5 prime UTR variant (3), non-coding transcript variant (2), intron variant (3).
Genome position (GRCh38, 1-based): chr1:24,442,097, G>A. VCF-style: chr1-24442097-G-A. GRCh37 (hg19) VCF-style: chr1-24768587-G-A.
Other names: c.205G>A, p.Ala69Thr (NM_001322854.2, NM_001322855.2, NM_001322856.2 and 4 more transcripts); c.-429G>A (NM_001322858.2); c.-42G>A (NM_001322862.2, NM_001322863.2); c.202G>A, p.Ala68Thr (NM_001322864.2); c.178G>A, p.Ala60Thr (NM_001322866.2); c.-149-3088G>A (NM_001322859.2, NM_001322861.2); c.-89-7384G>A (NM_001322860.2); short protein forms A60T, A68T, A69T.
Identifiers: ClinVar variation 983003 (VCV000983003.1), dbSNP rs768764094, ClinGen allele CA690894.

ClinVar aggregate classification (germline): Uncertain significance (1 of 4 stars; one submission).

Conditions:
Neurodevelopmental disorder. Identifiers: MedGen C1535926, MeSH D065886, MONDO:0700092.

Allele frequency attached by ClinVar (database versions not stated): ExAC 0.00003; gnomAD 0.00005 and 0.00006; gnomAD exomes 0.00005 and 0.00006; TOPMed 0.00006.
gnomAD v4.1: 99 of 1,614,064 alleles (0.0061%); highest among the groups gnomAD compares: Admixed American, 0.01%; no homozygotes.

Submission:

Institute of Human Genetics, University of Leipzig Medical Center
Classification: Uncertain significance for Neurodevelopmental disorder. Last evaluated: 2019-01-01. Review status: criteria provided, single submitter. Criteria: ACMG Guidelines, 2015. Collection method: clinical testing. Allele origin: unknown. Affected: yes.
Comment: This variant was identified as compound heterozygous.